The following is an entry in ClinVar:

NM_000255.4(MMUT):c.2114T>G (p.Ile705Arg)

Gene: MMUT (methylmalonyl-CoA mutase; minus strand). Cytogenetic location: 6p12.3.
Variant type: single nucleotide variant.
Coding change: c.2114T>G on transcript NM_000255.4 (MANE Select); coding-DNA position 2114, T replaced by G.
Protein change: p.Ile705Arg; replaces isoleucine 705 with arginine.
Molecular consequence: missense variant.
Genome position (GRCh38, 1-based): chr6:49,435,466, A>C on the plus strand (T>G on the coding strand, the complement: MMUT is on the minus strand). VCF-style: chr6-49435466-A-C. GRCh37 (hg19) VCF-style: chr6-49403179-A-C.
Other names: short protein forms I705R.
Identifiers: ClinVar variation 692058 (VCV000692058.1), dbSNP rs772888575, ClinGen allele CA364394220.

ClinVar aggregate classification (germline): Likely pathogenic (1 of 4 stars; one submission).

Conditions:
Methylmalonic aciduria due to methylmalonyl-CoA mutase deficiency (MAMM). Also called: Methylmalonic aciduria, mut type. Identifiers: Orphanet 27, MedGen C1855114, MONDO:0009612, OMIM 251000.

Submission:

Rady Children's Institute for Genomic Medicine, Rady Children's Hospital San Diego
Classification: Likely pathogenic for METHYLMALONIC ACIDURIA DUE TO METHYLMALONYL-CoA MUTASE DEFICIENCY. Last evaluated: 2018-11-15. Review status: criteria provided, single submitter. Criteria: ACMG Guidelines, 2015. Collection method: clinical testing. Allele origin: germline. Affected: yes. Observed: 1 variant allele.
Comment: This variant has not been previously reported or functionally characterized in the literature to our knowledge. It is absent from the ExAC and gnomAD population databases and thus is presumed to be rare. The c.2114T>G (p.Ile705Arg) variant affects a highly conserved amino acid and is predicted by multiple in silico tools to have a deleterious effect on protein function. Multiple pathogenic variants have been reported Based on the available evidence, the c.2114T>G (p.Ile705Arg) variant is classified as likely pathogenic